The following is an entry in ClinVar:

ClinVar aggregate classification (germline): Uncertain significance (1 of 4 stars; one submission).

Submission:

GeneDx
Classification: Uncertain significance. Last evaluated: 2023-12-12. Review status: criteria provided, single submitter. Criteria: GeneDx Variant Classification Process June 2021. Collection method: clinical testing. Allele origin: germline. Affected: yes.
Comment: Has not been previously published as pathogenic or benign to our knowledge; In silico analysis supports that this missense variant has a deleterious effect on protein structure/function; Not observed at significant frequency in large population cohorts (gnomAD); Occurs in the triple helical domain at the Y position in the canonical Gly-X-Y repeat; although this variant may have an effect on normal protein folding and function, missense substitution at the Y position is not a common mechanism of disease

NM_033380.3(COL4A5):c.1504C>G (p.Pro502Ala)

Gene: COL4A5 (collagen type IV alpha 5 chain; plus strand). Cytogenetic location: Xq22.3.
Variant type: single nucleotide variant.
Coding change: c.1504C>G on transcript NM_033380.3 (MANE Select); coding-DNA position 1504, C replaced by G.
Protein change: p.Pro502Ala; replaces proline 502 with alanine.
Molecular consequence: missense variant.
Genome position (GRCh38, 1-based): chrX:108,595,589, C>G. VCF-style: chrX-108595589-C-G. GRCh37 (hg19) VCF-style: chrX-107838819-C-G.
Other names: c.1504C>G, p.Pro502Ala (NM_000495.5); short protein forms P502A.
Identifiers: ClinVar variation 3252216 (VCV003252216.1), dbSNP rs907774916.